The following is an entry in ClinVar:

NM_017739.4(POMGNT1):c.1482C>T (p.Asp494=)

Genes: POMGNT1 (protein O-linked mannose N-acetylglucosaminyltransferase 1 (beta 1,2-); minus strand), TSPAN1 (tetraspanin 1; plus strand). Cytogenetic location: 1p34.1.
Variant type: single nucleotide variant.
Coding change: c.1482C>T on transcript NM_017739.4 (MANE Select); coding-DNA position 1482, C replaced by T.
Protein change: p.Asp494=; no amino-acid change (aspartic acid 494 retained).
Molecular consequence: synonymous variant.
Genome position (GRCh38, 1-based): chr1:46,192,155, G>A on the plus strand (C>T on the coding strand, the complement: POMGNT1 is on the minus strand). VCF-style: chr1-46192155-G-A. GRCh37 (hg19) VCF-style: chr1-46657827-G-A.
Other names: c.1482C>T, p.Asp494= (NM_001243766.2, NM_001410783.1); c.1416C>T, p.Asp472= (NM_001290129.3); c.1053C>T, p.Asp351= (NM_001290130.2); c.1482C>T (NM_001243766.1).
Identifiers: ClinVar variation 729234 (VCV000729234.15), dbSNP rs769213562, ClinGen allele CA833353.
Genomic context (GRCh38, chr1:46,192,155, plus strand): 5'-CACGTGAAAGTAGCCATTCATGTTGAGGCCGACGATGCCAAAGTGGTAGGATCGGGAAAC[G>A]TCAGGGATGATGCACTCTCGGCCCCGGCGTTGTTCAGGCATCCGCATCCACATGTCCCAA-3'
Protein context (NP_060209.4, residues 484-504): QRRGRECIIP[Asp494=]VSRSYHFGIV

ClinVar aggregate classification (germline): Conflicting classifications of pathogenicity. Review status: criteria provided, conflicting classifications (1 of 4 stars). 4 submissions from 3 submitters: Uncertain significance (2); Likely benign (2). Last evaluated 2026-09-08.

Conditions:
Congenital Muscular Dystrophy, alpha-dystroglycan related.
POMGNT1-related disorder. Also called: POMGNT1-related condition; POMGNT1-related disorders. Identifiers: MedGen CN239299.
Autosomal recessive limb-girdle muscular dystrophy type 2O. Also called: MUSCULAR DYSTROPHY-DYSTROGLYCANOPATHY (LIMB-GIRDLE), TYPE C, 3; MUSCULAR DYSTROPHY-DYSTROGLYCANOPATHY, LIMB-GIRDLE, POMGNT1-RELATED; Limb-Girdle Muscular Dystrophy Type 3C. Identifiers: Orphanet 206564, MedGen C3150417, MONDO:0013161, OMIM 613157.
Muscular dystrophy-dystroglycanopathy (congenital with impaired intellectual development), type B, 3. Also called: Muscular dystrophy-dystroglycanopathy (congenital with intellectual disability), type B3; MUSCULAR DYSTROPHY, CONGENITAL, POMGNT1-RELATED. Identifiers: MedGen C3150412, MONDO:0013155, OMIM 613151.

Allele frequency attached by ClinVar (database versions not stated): ExAC 0.00001; TOPMed 0.00002; gnomAD exomes 0.00001 and 0.00003; gnomAD 0.00001.
gnomAD v4.1: 41 of 1,613,988 alleles (0.0025%); highest among the groups gnomAD compares: Non-Finnish European, 0.0031%; no homozygotes.

Submissions (4):

PreventionGenetics, part of Exact Sciences
Classification: Likely benign for POMGNT1-related condition. Last evaluated: 2026-09-08. Review status: criteria provided, single submitter. Criteria: ACMG Guidelines, 2015. Collection method: clinical testing. Allele origin: germline.
Comment: This variant is classified as likely benign based on ACMG/AMP sequence variant interpretation guidelines (Richards et al. 2015 PMID: 25741868, with internal and published modifications).

Labcorp Genetics (formerly Invitae), Labcorp
Classification: Likely benign for Autosomal recessive limb-girdle muscular dystrophy type 2O; Muscular dystrophy-dystroglycanopathy (congenital with impaired intellectual development), type B, 3. Last evaluated: 2025-11-18. Review status: criteria provided, single submitter. Criteria: Invitae Variant Classification Sherloc (09022015). Collection method: clinical testing. Allele origin: germline.

Illumina Laboratory Services, Illumina
Classification: Uncertain significance for Autosomal recessive limb-girdle muscular dystrophy type 2O. Last evaluated: 2018-01-13. Review status: criteria provided, single submitter. Criteria: ICSL Variant Classification Criteria 13 December 2019. Collection method: clinical testing. Allele origin: germline.

Illumina Laboratory Services, Illumina
Classification: Uncertain significance for Congenital Muscular Dystrophy, alpha-dystroglycan related. Last evaluated: 2018-01-13. Review status: criteria provided, single submitter. Criteria: ICSL Variant Classification Criteria 13 December 2019. Collection method: clinical testing. Allele origin: germline.